The following is an entry in ClinVar:

ClinVar aggregate classification (germline): Likely benign (0 of 4 stars; one submission).

Conditions:
MACF1-related disorder. Also called: MACF1-related condition.

gnomAD v4.1: 37 of 1,614,042 alleles (0.0023%); highest among the groups gnomAD compares: Non-Finnish European, 0.003%; no homozygotes.

Submission:

PreventionGenetics, part of Exact Sciences
Classification: Likely benign for MACF1-related condition. Last evaluated: 2024-07-03. Review status: no assertion criteria provided. Collection method: clinical testing. Allele origin: germline.
Comment: This variant is classified as likely benign based on ACMG/AMP sequence variant interpretation guidelines (Richards et al. 2015 PMID: 25741868, with internal and published modifications).

NM_001394062.1(MACF1):c.16713C>T (p.Asn5571=)

Gene: MACF1 (microtubule actin crosslinking factor 1; plus strand). Cytogenetic location: 1p34.3.
Variant type: single nucleotide variant.
Coding change: c.16713C>T on transcript NM_001394062.1 (MANE Select); coding-DNA position 16713, C replaced by T.
Protein change: p.Asn5571=; no amino-acid change (asparagine 5571 retained).
Molecular consequence: synonymous variant. On other transcripts: intron variant (1).
Genome position (GRCh38, 1-based): chr1:39,428,197, C>T. VCF-style: chr1-39428197-C-T. GRCh37 (hg19) VCF-style: chr1-39893869-C-T.
Other names: c.10527C>T, p.Asn3509= (NM_012090.5); c.4872+583C>T (NM_001397473.1).
Identifiers: ClinVar variation 3352194 (VCV003352194.1).